The following is an entry in ClinVar:

NM_032447.5(FBN3):c.1078_1089del (p.Phe360_Leu363del)

Gene: FBN3 (fibrillin 3; minus strand). Cytogenetic location: 19p13.2.
Variant type: Deletion.
Coding change: c.1078_1089del on transcript NM_032447.5 (MANE Select); coding-DNA positions 1078 to 1089, 12 bases deleted (TTCCCTGGCCTC).
Protein change: p.Phe360_Leu363del.
Genome position (GRCh38, 1-based): chr19:8,138,253-8,138,264, GAGGCCAGGGAA deleted on the plus strand (TTCCCTGGCCTC on the coding strand, the reverse complement: FBN3 is on the minus strand); deleting any 12 consecutive bases within chr19:8,138,253-8,138,274 gives the same sequence; the c. name uses the placement nearest the transcript's 3' end. VCF-style (leftmost placement, unchanged base first): chr19-8138252-GGAGGCCAGGGAA-G. GRCh37 (hg19) VCF-style: chr19-8203136-GGAGGCCAGGGAA-G.
Other names: c.1078_1089del, p.Phe360_Leu363del (NM_001321431.2).
Identifiers: ClinVar variation 4760109 (VCV004760109.1).

ClinVar aggregate classification (germline): Uncertain significance (1 of 4 stars; one submission).

Submission:

Labcorp Genetics (formerly Invitae), Labcorp
Classification: Uncertain significance. Last evaluated: 2025-07-13. Review status: criteria provided, single submitter. Criteria: Invitae Variant Classification Sherloc (09022015). Collection method: clinical testing. Allele origin: germline.
Comment: This variant, c.1078_1089del, results in the deletion of 4 amino acid(s) of the FBN3 protein (p.Phe360_Leu363del), but otherwise preserves the integrity of the reading frame. This variant is present in population databases (rs778943700, gnomAD 0.005%). This variant has not been reported in the literature in individuals affected with FBN3-related conditions. Experimental studies and prediction algorithms are not available or were not evaluated, and the functional significance of this variant is currently unknown. In summary, the available evidence is currently insufficient to determine the role of this variant in disease. Therefore, it has been classified as a Variant of Uncertain Significance.